The following is an entry in ClinVar:

ClinVar aggregate classification (germline): Conflicting classifications of pathogenicity. Review status: criteria provided, conflicting classifications (1 of 4 stars). 4 submissions from 4 submitters: Uncertain significance (3); Benign (1). Last evaluated 2026-01-19.

Conditions:
Primary ciliary dyskinesia. Also called: Ciliary dyskinesia. Identifiers: Orphanet 244, MedGen C0008780, MONDO:0016575, HP:0012265.
Primary ciliary dyskinesia 7. Also called: CILIARY DYSKINESIA, PRIMARY, 7, WITH OR WITHOUT SITUS INVERSUS. Identifiers: Orphanet 244, MedGen C2678473, MONDO:0012748, OMIM 611884.

Allele frequency attached by ClinVar (database versions not stated): gnomAD 0.00001 and 0.00005; TOPMed 0.00001; ExAC 0.00012; gnomAD exomes 0.00013; 1000 Genomes Project 30x 0.00047; 1000 Genomes Project 0.00060.
gnomAD v4.1: 128 of 1,613,822 alleles (0.0079%); highest among the groups gnomAD compares: South Asian, 0.12%; 2 homozygotes.

Submissions (4):

Labcorp Genetics (formerly Invitae), Labcorp
Classification: Benign for Primary ciliary dyskinesia. Last evaluated: 2026-01-19. Review status: criteria provided, single submitter. Criteria: Invitae Variant Classification Sherloc (09022015). Collection method: clinical testing. Allele origin: germline.

GeneDx
Classification: Uncertain significance. Last evaluated: 2022-04-26. Review status: criteria provided, single submitter. Criteria: GeneDx Variant Classification Process June 2021. Collection method: clinical testing. Allele origin: germline. Affected: yes.
Comment: In silico analysis supports that this missense variant has a deleterious effect on protein structure/function; Has not been previously published as pathogenic or benign to our knowledge

Blueprint Genetics
Classification: Uncertain significance. Last evaluated: 2022-04-12. Review status: criteria provided, single submitter. Criteria: ACMG Guidelines, 2015. Collection method: clinical testing. Allele origin: germline.

Illumina Laboratory Services, Illumina
Classification: Uncertain significance for Primary ciliary dyskinesia 7. Last evaluated: 2018-01-12. Review status: criteria provided, single submitter. Criteria: ICSL Variant Classification Criteria 13 December 2019. Collection method: clinical testing. Allele origin: germline.

NM_001277115.2(DNAH11):c.6383G>A (p.Arg2128Gln)

Gene: DNAH11 (dynein axonemal heavy chain 11; plus strand). Cytogenetic location: 7p15.3.
Variant type: single nucleotide variant.
Coding change: c.6383G>A on transcript NM_001277115.2 (MANE Select); coding-DNA position 6383, G replaced by A.
Protein change: p.Arg2128Gln; replaces arginine 2128 with glutamine.
Molecular consequence: missense variant.
Genome position (GRCh38, 1-based): chr7:21,704,543, G>A. VCF-style: chr7-21704543-G-A. GRCh37 (hg19) VCF-style: chr7-21744161-G-A.
Other names: short protein forms R2128Q.
Identifiers: ClinVar variation 579116 (VCV000579116.26), dbSNP rs544234928, ClinGen allele CA4180802.